The following is an entry in ClinVar:

NM_002335.4(LRP5):c.607G>A (p.Asp203Asn)

Gene: LRP5 (LDL receptor related protein 5; plus strand). Cytogenetic location: 11q13.2.
Variant type: single nucleotide variant.
Coding change: c.607G>A on transcript NM_002335.4 (MANE Select); coding-DNA position 607, G replaced by A.
Protein change: p.Asp203Asn; replaces aspartic acid 203 with asparagine.
Molecular consequence: missense variant. On other transcripts: 5 prime UTR variant (1).
Genome position (GRCh38, 1-based): chr11:68,357,768, G>A. VCF-style: chr11-68357768-G-A. GRCh37 (hg19) VCF-style: chr11-68125236-G-A.
Other names: c.-1159G>A (NM_001291902.2); short protein forms D203N.
Identifiers: ClinVar variation 3721064 (VCV003721064.2).

ClinVar aggregate classification (germline): Likely pathogenic (1 of 4 stars; one submission).

gnomAD v4.1: 3 of 1,613,950 alleles (0.00019%); highest among the groups gnomAD compares: East Asian, 0.0022%; no homozygotes.

Submission:

Labcorp Genetics (formerly Invitae), Labcorp
Classification: Likely pathogenic. Last evaluated: 2025-01-22. Review status: criteria provided, single submitter. Criteria: Invitae Variant Classification Sherloc (09022015). Collection method: clinical testing. Allele origin: germline.
Comment: This sequence change replaces aspartic acid, which is acidic and polar, with asparagine, which is neutral and polar, at codon 203 of the LRP5 protein (p.Asp203Asn). This variant is not present in population databases (gnomAD no frequency). This missense change has been observed in individual(s) with autosomal dominant familial exudative vitreoretinopathy and/or autosomal recessive osteoporosis-pseudoglioma syndrome (PMID: 16252235, 35052368). Invitae Evidence Modeling of protein sequence and biophysical properties (such as structural, functional, and spatial information, amino acid conservation, physicochemical variation, residue mobility, and thermodynamic stability) indicates that this missense variant is expected to disrupt LRP5 protein function with a positive predictive value of 95%. This variant disrupts the p.Asp203 amino acid residue in LRP5. Other variant(s) that disrupt this residue have been observed in individuals with LRP5-related conditions (PMID: 16252235, 28145787, 35052368), which suggests that this may be a clinically significant amino acid residue. In summary, the currently available evidence indicates that the variant is pathogenic, but additional data are needed to prove that conclusively. Therefore, this variant has been classified as Likely Pathogenic.

Literature cited by the submitters: PubMed 16252235; PubMed 35052368; PubMed 28145787.